The following is an entry in ClinVar:

NM_001040108.2(MLH3):c.3644-6A>C

Gene: MLH3 (mutL homolog 3; minus strand). Cytogenetic location: 14q24.3.
Variant type: single nucleotide variant.
Coding change: c.3644-6A>C on transcript NM_001040108.2 (MANE Select); 6 bases into the intron before coding-DNA position 3644, A replaced by C.
Molecular consequence: intron variant.
Genome position (GRCh38, 1-based): chr14:75,033,496, T>G on the plus strand (A>C on the coding strand, the complement: MLH3 is on the minus strand). VCF-style: chr14-75033496-T-G. GRCh37 (hg19) VCF-style: chr14-75500199-T-G.
Other names: c.3644-1317A>C (NM_014381.3).
Identifiers: ClinVar variation 5042175 (VCV005042175.1).

ClinVar aggregate classification (germline): Likely benign (1 of 4 stars; one submission).

Conditions:
Colorectal cancer, hereditary nonpolyposis, type 7. Identifiers: Orphanet 144, MedGen C1858380, MONDO:0013725, OMIM 614385.

gnomAD v4.1: 1 of 1,612,148 alleles (0.000062%); highest among the groups gnomAD compares: African/African-American, 0.0013%; no homozygotes.

Submission:

Myriad Genetics, Inc.
Classification: Likely benign for Colorectal cancer, hereditary nonpolyposis, type 7. Last evaluated: 2026-09-11. Review status: criteria provided, single submitter. Criteria: Myriad Autosomal Dominant, Autosomal Recessive and X-Linked Classification Criteria (2023). Collection method: clinical testing. Allele origin: unknown.
Comment: This variant is considered likely benign. This variant is intronic and is not expected to impact mRNA splicing.